The following is an entry in ClinVar:

NM_002432.3(MNDA):c.584A>G (p.Gln195Arg)

Gene: MNDA (myeloid cell nuclear differentiation antigen; plus strand). Cytogenetic location: 1q23.1.
Variant type: single nucleotide variant.
Coding change: c.584A>G on transcript NM_002432.3 (MANE Select); coding-DNA position 584, A replaced by G.
Protein change: p.Gln195Arg; replaces glutamine 195 with arginine.
Molecular consequence: missense variant.
Genome position (GRCh38, 1-based): chr1:158,845,600, A>G. VCF-style: chr1-158845600-A-G. GRCh37 (hg19) VCF-style: chr1-158815390-A-G.
Other names: short protein forms Q195R.
Identifiers: ClinVar variation 1750051 (VCV001750051.2), dbSNP rs750597939, ClinGen allele CA1185660.
Genomic context (GRCh38, chr1:158,845,600, plus strand): 5'-TCCTGCTCAAAGTTTTAAGTTTATTTTCTTGTGTCTGCCCAACACAGAATCAGGAAACCC[A>G]GGCCCAACGGCAGGTGGATGCAAGAAGAAATGTTCCCCAAAACGACCCAGTGACAGTGGT-3'
Protein context (NP_002423.1, residues 185-205): NTSFTPNQET[Gln195Arg]AQRQVDARRN

ClinVar aggregate classification (germline): Uncertain significance (1 of 4 stars; one submission).

Allele frequency attached by ClinVar (database versions not stated): ExAC 0.00001; gnomAD 0.00001; TOPMed 0.00003.

Submission:

Ambry Genetics
Classification: Uncertain significance. Last evaluated: 2022-01-30. Review status: criteria provided, single submitter. Criteria: Ambry Variant Classification Scheme 2023. Collection method: clinical testing. Allele origin: germline.
Comment: The p.Q195R variant (also known as c.584A>G), located in coding exon 4 of the MNDA gene, results from an A to G substitution at nucleotide position 584. The glutamine at codon 195 is replaced by arginine, an amino acid with highly similar properties. This amino acid position is conserved. In addition, this alteration is predicted to be tolerated by in silico analysis. Since supporting evidence is limited at this time, the clinical significance of this alteration remains unclear.